The following is an entry in ClinVar:

NM_000091.5(COL4A3):c.3742G>C (p.Gly1248Arg)

Genes: MFF-DT (MFF divergent transcript; minus strand), COL4A3 (collagen type IV alpha 3 chain; plus strand). Cytogenetic location: 2q36.3.
Variant type: single nucleotide variant.
Coding change: c.3742G>C on transcript NM_000091.5 (MANE Select); coding-DNA position 3742, G replaced by C.
Protein change: p.Gly1248Arg; replaces glycine 1248 with arginine.
Molecular consequence: missense variant.
Genome position (GRCh38, 1-based): chr2:227,297,850, G>C. VCF-style: chr2-227297850-G-C. GRCh37 (hg19) VCF-style: chr2-228162566-G-C.
Other names: short protein forms G1248R.
Identifiers: ClinVar variation 3234114 (VCV003234114.1), dbSNP rs2469880740, ClinGen allele CA350860533.

ClinVar aggregate classification (germline): Likely pathogenic (1 of 4 stars; one submission).

Conditions:
Autosomal dominant Alport syndrome (ATS3A). Also called: Alport syndrome dominant type; Renal failure and sensorineural hearing loss; ALPORT SYNDROME 3A, AUTOSOMAL DOMINANT. Identifiers: Orphanet 63, Orphanet 88918, MedGen C5882663, MONDO:0007086, OMIM 104200.

Submission:

MVZ Medizinische Genetik Mainz
Classification: Likely pathogenic for Autosomal dominant Alport syndrome. Last evaluated: 2021-08-12. Review status: criteria provided, single submitter. Criteria: UK Practice Guidelines For Variant Classification V4 01 2020. Collection method: clinical testing. Allele origin: germline. Inheritance: Autosomal dominant inheritance. Affected: yes. Observed: 1 variant allele.
Comment: ACMG Criteria: PM1_STR, PM2_SUP, PP3, PP4 (ACMG Version 3)